The following is an entry in ClinVar:

ClinVar aggregate classification (germline): Conflicting classifications of pathogenicity. Review status: criteria provided, conflicting classifications (1 of 4 stars). 3 submissions from 3 submitters: Uncertain significance (2); Likely benign (1). Last evaluated 2025-11-24.

Allele frequency attached by ClinVar (database versions not stated): TOPMed 0.00006; 1000 Genomes Project 30x 0.00016; 1000 Genomes Project 0.00020.

Submissions (3):

Labcorp Genetics (formerly Invitae), Labcorp
Classification: Likely benign. Last evaluated: 2025-11-24. Review status: criteria provided, single submitter. Criteria: Invitae Variant Classification Sherloc (09022015). Collection method: clinical testing. Allele origin: germline.

Women's Health and Genetics/Laboratory Corporation of America, LabCorp
Classification: Uncertain significance. Last evaluated: 2025-01-27. Review status: criteria provided, single submitter. Criteria: LabCorp Variant Classification Summary - May 2015. Collection method: clinical testing. Allele origin: germline.
Comment: Variant summary: CUL7 c.2581C>T (p.Pro861Ser) results in a non-conservative amino acid change located in the APC10/DOC domain (IPR004939) of the encoded protein sequence. Three of five in-silico tools predict a damaging effect of the variant on protein function. The variant allele was found at a frequency of 0.00017 in 1614228 control chromosomes, predominantly at a frequency of 0.0027 within the South Asian subpopulation in the gnomAD database, including 2 homozygotes. The observed variant frequency within South Asian control individuals in the gnomAD database is approximately 2.4-fold of the estimated maximal expected allele frequency for a pathogenic variant in CUL7 causing Three M Syndrome 1 phenotype (0.0011), suggesting the variant may be a benign polymorphism found primarily in populations of South Asian origin. c.2581C>T has been reported in the literature in an individual affected with Three M Syndrome in the homozygous state (Huber_2009). In vitro experiments in CUL7-depleted cells demonstrated that unlike the wild type protein, the p.Pro861Ser variant-containing protein was unable to rescue defects in microtubule dynamics, mitosis, and cytokinesis (Yan_2014). However, the impact of this effect in vivo is unclear. The following publications have been ascertained in the context of this evaluation (PMID: 19225462, 24793695). ClinVar contains an entry for this variant (Variation ID: 631982). Based on the evidence outlined above, the variant was classified as uncertain significance.

Blueprint Genetics
Classification: Uncertain significance. Last evaluated: 2024-11-26. Review status: criteria provided, single submitter. Criteria: ACMG Guidelines, 2015. Collection method: clinical testing. Allele origin: germline.

Literature cited by the submitters: PubMed 19225462 (cited by Women's Health and Genetics/Laboratory Corporation of America, LabCorp); PubMed 27182040 (cited by Women's Health and Genetics/Laboratory Corporation of America, LabCorp); PubMed 24793695 (cited by Women's Health and Genetics/Laboratory Corporation of America, LabCorp).

NM_014780.5(CUL7):c.2581C>T (p.Pro861Ser)

Gene: CUL7 (cullin 7; minus strand). Cytogenetic location: 6p21.1.
Variant type: single nucleotide variant.
Coding change: c.2581C>T on transcript NM_014780.5 (MANE Select); coding-DNA position 2581, C replaced by T.
Protein change: p.Pro861Ser; replaces proline 861 with serine.
Molecular consequence: missense variant.
Genome position (GRCh38, 1-based): chr6:43,046,315, G>A on the plus strand (C>T on the coding strand, the complement: CUL7 is on the minus strand). VCF-style: chr6-43046315-G-A. GRCh37 (hg19) VCF-style: chr6-43014053-G-A.
Other names: c.2677C>T, p.Pro893Ser (NM_001168370.2, NM_001374872.1); c.2581C>T, p.Pro861Ser (NM_001374873.1, NM_001374874.1); short protein forms P861S, P893S.
Identifiers: ClinVar variation 631982 (VCV000631982.15), dbSNP rs147452416, ClinGen allele CA501046.
Genomic context (GRCh38, chr6:43,046,315, plus strand): 5'-GCATGTGCAGGGTGATGTAGTGGGAGCCGGCGCTGCCGTTGGACTCCCAATAGGTCTTGG[G>A]GTTGTGGTCCGTCAGCTTGCTGGCCCGGTGCGGGTTGGAGGACACCTCCACCTTCTCCCA-3'
Protein context (NP_055595.2, residues 851-871): HRASKLTDHN[Pro861Ser]KTYWESNGSA